The following is an entry in ClinVar:

ClinVar aggregate classification (germline): Pathogenic/Likely pathogenic. Review status: criteria provided, multiple submitters, no conflicts (2 of 4 stars). 2 submissions from 2 submitters: Pathogenic (1); Likely pathogenic (1). Last evaluated 2024-05-14.

Conditions:
Multiple sulfatase deficiency (MSD). Also called: Mucosulfatidosis; Multiple Sulfatase Deficiency Disease; Sulfatidosis, Juvenile, Austin Type. Identifiers: Orphanet 585, MedGen C0268263, MONDO:0010088, OMIM 272200.

Submissions (2):

Myriad Genetics, Inc.
Classification: Pathogenic for Multiple sulfatase deficiency. Last evaluated: 2024-05-14. Review status: criteria provided, single submitter. Criteria: Myriad Autosomal Dominant, Autosomal Recessive and X-Linked Classification Criteria (2023). Collection method: clinical testing. Allele origin: unknown.
Comment: NM_182760.3(SUMF1):c.778_779del2ins16(I260Lfs*13) is expected to be pathogenic in the context of multiple sulfatase deficiency. This variant is predicted to lead to an abnormal or absent protein product due to the creation of a premature termination codon in SUMF1, a gene where loss-of-function variants are known to be pathogenic. Please note: this variant was assessed in the context of healthy population screening.

Fulgent Genetics
Classification: Likely pathogenic for Multiple sulfatase deficiency. Last evaluated: 2024-02-11. Review status: criteria provided, single submitter. Criteria: ACMG Guidelines, 2015. Collection method: clinical testing. Allele origin: germline.

NM_182760.4(SUMF1):c.778_779delinsCTTGCTCATACTCGCC (p.Ile260fs)

Gene: SUMF1 (sulfatase modifying factor 1; minus strand). Cytogenetic location: 3p26.1.
Variant type: Indel.
Coding change: c.778_779delinsCTTGCTCATACTCGCC on transcript NM_182760.4 (MANE Select); coding-DNA positions 778 to 779, AT replaced by CTTGCTCATACTCGCC.
Protein change: p.Ile260fs; shifts the reading frame from isoleucine 260.
Molecular consequence: frameshift variant.
Genome position (GRCh38, 1-based): chr3:4,417,189-4,417,190, AT replaced by GGCGAGTATGAGCAAG on the plus strand (AT replaced by CTTGCTCATACTCGCC on the coding strand, the reverse complement: SUMF1 is on the minus strand). VCF-style: chr3-4417189-AT-GGCGAGTATGAGCAAG. GRCh37 (hg19) VCF-style: chr3-4458873-AT-GGCGAGTATGAGCAAG.
Other names: c.703_704delinsCTTGCTCATACTCGCC, p.Ile235fs (NM_001164674.2); c.778_779delinsCTTGCTCATACTCGCC, p.Ile260fs (NM_001164675.2); short protein forms I235fs, I260fs.
Identifiers: ClinVar variation 3589168 (VCV003589168.2).